The following is an entry in ClinVar:

ClinVar aggregate classification (germline): Benign/Likely benign. Review status: criteria provided, multiple submitters, no conflicts (2 of 4 stars). 5 submissions from 5 submitters: Benign (2); Likely benign (1). 2 of the submissions do not count toward it. Last evaluated 2026-02-01.

Conditions:
RFWD3-related disorder. Also called: RFWD3-related condition.

Allele frequency attached by ClinVar (database versions not stated): gnomAD 0.01324 and 0.01337; 1000 Genomes Project 30x 0.00734; TOPMed 0.01206; ESP Exome Variant Server 0.01377; 1000 Genomes Project 0.00739.
gnomAD v4.1: 25,430 of 1,605,798 alleles (1.6%); highest among the groups gnomAD compares: Admixed American, 1.9%; 244 homozygotes.

Submissions (5):

Labcorp Genetics (formerly Invitae), Labcorp
Classification: Benign. Last evaluated: 2026-02-01. Review status: criteria provided, single submitter. Criteria: Invitae Variant Classification Sherloc (09022015). Collection method: clinical testing. Allele origin: germline.

Mayo Clinic Laboratories, Mayo Clinic
Classification: Likely benign. Last evaluated: 2025-09-22. Review status: criteria provided, single submitter. Criteria: ACMG Guidelines, 2015. Collection method: clinical testing. Allele origin: germline. Observed: 2 variant alleles.
Comment: BS1, BP4

Breakthrough Genomics
Classification: Benign. Review status: criteria provided, single submitter. Criteria: ACMG Guidelines, 2015. Collection method: not provided. Allele origin: germline. Inheritance: Autosomal recessive inheritance. Affected: yes.

PreventionGenetics, part of Exact Sciences
Classification: Benign for RFWD3-related condition. Last evaluated: 2024-01-28. Review status: no assertion criteria provided. Collection method: clinical testing. Allele origin: germline. Not counted in ClinVar's aggregate classification.
Comment: This variant is classified as benign based on ACMG/AMP sequence variant interpretation guidelines (Richards et al. 2015 PMID: 25741868, with internal and published modifications).

Department of Pathology and Laboratory Medicine, Sinai Health System
Classification: Benign. Review status: no assertion criteria provided. Collection method: clinical testing. Allele origin: unknown. Affected: yes. Study: The Canadian Open Genetics Repository (COGR). Not counted in ClinVar's aggregate classification.
Comment: The RFWD3 p.Ser361Phe variant was not identified in the literature nor was it identified in ClinVar or Cosmic. The variant was identified in dbSNP (ID: rs77132945) and in control databases in 4002 of 263520 chromosomes (43 homozygous) at a frequency of 0.01519 increasing the likelihood this could be a low frequency benign variant (Genome Aggregation Database March 6, 2019, v2.1.1). The variant was observed in the following populations: Latino in 708 of 34542 chromosomes (freq: 0.0205), European (non-Finnish) in 2352 of 115870 chromosomes (freq: 0.0203), European (Finnish) in 387 of 24940 chromosomes (freq: 0.01552), Other in 94 of 6646 chromosomes (freq: 0.01414), South Asian in 324 of 29372 chromosomes (freq: 0.01103), Ashkenazi Jewish in 51 of 9734 chromosomes (freq: 0.005239), African in 85 of 23344 chromosomes (freq: 0.003641), and East Asian in 1 of 19072 chromosomes (freq: 0.000052). The p.Ser361 residue is not conserved in mammals and computational analyses (PolyPhen-2, SIFT, AlignGVGD, BLOSUM, MutationTaster) provide inconsistent predictions regarding the impact to the protein; this information is not very predictive of pathogenicity. The variant occurs outside of the splicing consensus sequence and in silico or computational prediction software programs (SpliceSiteFinder, MaxEntScan, NNSPLICE, GeneSplicer) do not predict a difference in splicing. In summary, based on the above information this variant meets our laboratory's criteria to be classified as benign.

NM_018124.4(RFWD3):c.1082C>T (p.Ser361Phe)

Gene: RFWD3 (ring finger and WD repeat domain 3; minus strand). Cytogenetic location: 16q23.1.
Variant type: single nucleotide variant.
Coding change: c.1082C>T on transcript NM_018124.4 (MANE Select); coding-DNA position 1082, C replaced by T.
Protein change: p.Ser361Phe; replaces serine 361 with phenylalanine.
Molecular consequence: missense variant.
Genome position (GRCh38, 1-based): chr16:74,637,968, G>A on the plus strand (C>T on the coding strand, the complement: RFWD3 is on the minus strand). VCF-style: chr16-74637968-G-A. GRCh37 (hg19) VCF-style: chr16-74671866-G-A.
Other names: p.Ser361Phe; c.1082C>T (NM_018124.3); c.1082C>T, p.Ser361Phe (NM_001370534.1, NM_001370535.1, NM_001370536.1); c.248C>T, p.Ser83Phe (NM_001370537.1, NM_001370539.1, NM_001370540.1 and 2 more transcripts); short protein forms S361F, S83F.
Identifiers: ClinVar variation 1050685 (VCV001050685.10), dbSNP rs77132945, ClinGen allele CA8169323.